The following is an entry in ClinVar:

NM_001723.7(DST):c.3431A>G (p.Glu1144Gly)

Gene: DST (dystonin; minus strand). Cytogenetic location: 6p12.1.
Variant type: single nucleotide variant.
Coding change: c.3431A>G on transcript NM_001723.7 (MANE Plus Clinical); coding-DNA position 3431, A replaced by G.
Protein change: p.Glu1144Gly; replaces glutamic acid 1144 with glycine.
Molecular consequence: missense variant. On other transcripts: intron variant (10).
Genome position (GRCh38, 1-based): chr6:56,620,603, T>C on the plus strand (A>G on the coding strand, the complement: DST is on the minus strand). VCF-style: chr6-56620603-T-C. GRCh37 (hg19) VCF-style: chr6-56485401-T-C.
Other names: c.4830+3927A>G (NM_001144769.5); c.4929+3927A>G (NM_001374722.1, NM_001374736.1); c.4956+3927A>G (NM_001374734.1); c.4416+3927A>G (NM_001144770.2); c.4296+3927A>G (NM_001374730.1, NM_001386100.1, NM_183380.4 and 1 more transcripts); c.3318+3927A>G (NM_015548.5); short protein forms E1144G.
Identifiers: ClinVar variation 4787953 (VCV004787953.1).

ClinVar aggregate classification (germline): Uncertain significance (1 of 4 stars; one submission).

Conditions:
Epidermolysis bullosa simplex 3, localized or generalized intermediate, with BP230 deficiency (EBS3). Also called: Epidermolysis bullosa simplex, autosomal recessive 2; Epidermolysis bullosa simplex due to BP230 deficiency. Identifiers: Orphanet 412181, MedGen C3809470, MONDO:0014180, OMIM 615425.
Hereditary sensory and autonomic neuropathy type 6. Also called: HSAN VI; Neuropathy, hereditary sensory and autonomic, type VI. Identifiers: Orphanet 314381, MedGen C3539003, MONDO:0013839, OMIM 614653.

gnomAD v4.1: 2 of 1,614,086 alleles (0.00012%); highest among the groups gnomAD compares: Non-Finnish European, 0.00017%; no homozygotes.

Submission:

Labcorp Genetics (formerly Invitae), Labcorp
Classification: Uncertain significance for Epidermolysis bullosa simplex 3, localized or generalized intermediate, with BP230 deficiency; Hereditary sensory and autonomic neuropathy type 6. Last evaluated: 2025-05-19. Review status: criteria provided, single submitter. Criteria: Invitae Variant Classification Sherloc (09022015). Collection method: clinical testing. Allele origin: germline.
Comment: This sequence change replaces glutamic acid, which is acidic and polar, with glycine, which is neutral and non-polar, at codon 1144 of the DST protein (p.Glu1144Gly). This variant is not present in population databases (gnomAD no frequency). This variant has not been reported in the literature in individuals affected with DST-related conditions. An algorithm developed to predict the effect of missense changes on protein structure and function (PolyPhen-2) suggests that this variant is likely to be disruptive. In summary, the available evidence is currently insufficient to determine the role of this variant in disease. Therefore, it has been classified as a Variant of Uncertain Significance.